The following is an entry in ClinVar:

NM_016464.5(TMEM138):c.389A>G (p.Tyr130Cys)

Gene: TMEM138 (transmembrane protein 138; plus strand). Cytogenetic location: 11q12.2.
Variant type: single nucleotide variant.
Coding change: c.389A>G on transcript NM_016464.5 (MANE Select); coding-DNA position 389, A replaced by G.
Protein change: p.Tyr130Cys; replaces tyrosine 130 with cysteine.
Molecular consequence: missense variant. On other transcripts: non-coding transcript variant (1).
Genome position (GRCh38, 1-based): chr11:61,368,609, A>G. VCF-style: chr11-61368609-A-G. GRCh37 (hg19) VCF-style: chr11-61136081-A-G.
Other names: c.215A>G, p.Tyr72Cys (NM_001330281.2); short protein forms Y130C, Y72C.
Identifiers: ClinVar variation 31191 (VCV000031191.12), dbSNP rs387907135, ClinGen allele CA260012.

ClinVar aggregate classification (germline): Pathogenic/Likely pathogenic. Review status: criteria provided, multiple submitters, no conflicts (2 of 4 stars). 6 submissions from 6 submitters: Pathogenic (4); Likely pathogenic (1). 1 of the submissions does not count toward it. Last evaluated 2026-09-15.

Conditions:
Joubert syndrome and related disorders. Identifiers: Orphanet 140874, MedGen C5679612, MONDO:0015369.
Joubert syndrome 16 (JBTS16). Identifiers: Orphanet 2318, MedGen C3280906, MONDO:0013764, OMIM 614465.

Allele frequency attached by ClinVar (database versions not stated): gnomAD exomes below 0.00001.
gnomAD v4.1: 4 of 1,613,252 alleles (0.00025%); highest among the groups gnomAD compares: Non-Finnish European, 0.00034%; no homozygotes.

Submissions (6):

Department of Genetics, Sultan Qaboos University Hospital
Classification: Pathogenic for Joubert syndrome 16. Last evaluated: 2026-09-15. Review status: criteria provided, single submitter. Criteria: ACMG Guidelines, 2015. Collection method: curation. Allele origin: unknown. Inheritance: Autosomal recessive inheritance. Affected: yes.

Labcorp Genetics (formerly Invitae), Labcorp
Classification: Pathogenic for Joubert syndrome 16. Last evaluated: 2025-09-02. Review status: criteria provided, single submitter. Criteria: Invitae Variant Classification Sherloc (09022015). Collection method: clinical testing. Allele origin: germline.
Comment: This sequence change replaces tyrosine, which is neutral and polar, with cysteine, which is neutral and slightly polar, at codon 130 of the TMEM138 protein (p.Tyr130Cys). This variant is present in population databases (rs387907135, gnomAD 0.0009%). This missense change has been observed in individual(s) with clinical features of Joubert syndrome (PMID: 22282472, 27081510, 27434533, 34354814). ClinVar contains an entry for this variant (Variation ID: 31191). An algorithm developed to predict the effect of missense changes on protein structure and function (PolyPhen-2) suggests that this variant is likely to be disruptive. For these reasons, this variant has been classified as Pathogenic.

Fulgent Genetics
Classification: Likely pathogenic for Joubert syndrome 16. Last evaluated: 2024-04-04. Review status: criteria provided, single submitter. Criteria: ACMG Guidelines, 2015. Collection method: clinical testing. Allele origin: germline.

Women's Health and Genetics/Laboratory Corporation of America, LabCorp
Classification: Pathogenic for Joubert syndrome and related disorders. Last evaluated: 2024-04-04. Review status: criteria provided, single submitter. Criteria: LabCorp Variant Classification Summary - May 2015. Collection method: clinical testing. Allele origin: germline.
Comment: Variant summary: TMEM138 c.389A>G (p.Tyr130Cys) results in a non-conservative amino acid change in the encoded protein sequence. Five of five in-silico tools predict a damaging effect of the variant on protein function. The variant allele was found at a frequency of 4e-06 in 251120 control chromosomes. c.389A>G has been reported in the literature in multiple homozygous individuals affected with Joubert Syndrome And Related Disorders (e.g. Lee_2012, Ben-Salem_2014, Suzuki_2016). These data indicate that the variant is very likely to be associated with disease. To our knowledge, no experimental evidence demonstrating an impact on protein function has been reported. The following publications have been ascertained in the context of this evaluation (PMID: 27081510, 22282472, 27434533). ClinVar contains an entry for this variant (Variation ID: 31191). Based on the evidence outlined above, the variant was classified as pathogenic.

Daryl Scott Lab, Baylor College of Medicine
Classification: Pathogenic for Joubert syndrome 16. Last evaluated: 2023-11-10. Review status: criteria provided, single submitter. Criteria: ACMG Guidelines, 2015. Collection method: clinical testing. Allele origin: biparental. Affected: yes. Observed: 1 homozygote.

OMIM
Classification: Pathogenic for JOUBERT SYNDROME 16. Last evaluated: 2012-02-24. Review status: no assertion criteria provided. Collection method: literature only. Allele origin: germline. Not counted in ClinVar's aggregate classification.

Literature cited by the submitters: PubMed 22282472 (cited by 3 submitters); PubMed 27081510 (cited by Labcorp Genetics (formerly Invitae), Labcorp and Women's Health and Genetics/Laboratory Corporation of America, LabCorp); PubMed 27434533 (cited by Labcorp Genetics (formerly Invitae), Labcorp and Women's Health and Genetics/Laboratory Corporation of America, LabCorp); PubMed 34354814 (cited by Labcorp Genetics (formerly Invitae), Labcorp).